The following is an entry in ClinVar:

ClinVar aggregate classification (germline): Uncertain significance. Review status: criteria provided, multiple submitters, no conflicts (2 of 4 stars). 3 submissions from 3 submitters: Uncertain significance (3). Last evaluated 2023-12-09.

Conditions:
Primary ciliary dyskinesia. Also called: Ciliary dyskinesia. Identifiers: Orphanet 244, MedGen C0008780, MONDO:0016575, HP:0012265.

Allele frequency attached by ClinVar (database versions not stated): gnomAD 0.00041; TOPMed 0.00019.
gnomAD v4.1: 72 of 1,613,332 alleles (0.0045%); highest among the groups gnomAD compares: African/African-American, 0.083%; no homozygotes.

Submissions (3):

Ambry Genetics
Classification: Uncertain significance for Primary ciliary dyskinesia. Last evaluated: 2023-12-09. Review status: criteria provided, single submitter. Criteria: Ambry Variant Classification Scheme 2023. Collection method: clinical testing. Allele origin: germline.

Labcorp Genetics (formerly Invitae), Labcorp
Classification: Uncertain significance for Primary ciliary dyskinesia. Last evaluated: 2022-08-08. Review status: criteria provided, single submitter. Criteria: Invitae Variant Classification Sherloc (09022015). Collection method: clinical testing. Allele origin: germline.
Comment: This sequence change replaces threonine, which is neutral and polar, with proline, which is neutral and non-polar, at codon 664 of the DNAAF1 protein (p.Thr664Pro). The frequency data for this variant in the population databases is considered unreliable, as metrics indicate poor data quality at this position in the gnomAD database. This variant has not been reported in the literature in individuals affected with DNAAF1-related conditions. ClinVar contains an entry for this variant (Variation ID: 455003). Algorithms developed to predict the effect of missense changes on protein structure and function (SIFT, PolyPhen-2, Align-GVGD) all suggest that this variant is likely to be tolerated. In summary, the available evidence is currently insufficient to determine the role of this variant in disease. Therefore, it has been classified as a Variant of Uncertain Significance.

Laboratory for Molecular Medicine, Mass General Brigham Personalized Medicine
Classification: Uncertain significance. Last evaluated: 2018-07-05. Review status: criteria provided, single submitter. Criteria: LMM Criteria. Collection method: clinical testing. Allele origin: germline. Observed: 1 variant allele.
Comment: Variant classified as Uncertain Significance - Favor Benign. The p.Thr664Pro var iant in DNAAF1 has not been previously reported in individuals with pulmonary di sease but has been identified in 0.1% (12/8722) of African chromosomes by the Ge nome Aggregation Database (gnomAD; dbSNP rs199 680570). This variant has also been reported in ClinVar (Variation ID 455003). C omputational prediction tools and conservation analysis suggest that the p.Thr66 4Pro variant may not impact the protein, though this information is not predicti ve enough to rule out pathogenicity. In summary, while the clinical significance of the p.Thr664Pro variant is uncertain, its frequency suggests that it is more likely to be benign. ACMG/AMP Criteria applied: BP4.

NM_178452.6(DNAAF1):c.1990A>C (p.Thr664Pro)

Gene: DNAAF1 (dynein axonemal assembly factor 1; plus strand). Cytogenetic location: 16q24.1.
Variant type: single nucleotide variant.
Coding change: c.1990A>C on transcript NM_178452.6 (MANE Select); coding-DNA position 1990, A replaced by C.
Protein change: p.Thr664Pro; replaces threonine 664 with proline.
Molecular consequence: missense variant.
Genome position (GRCh38, 1-based): chr16:84,176,224, A>C. VCF-style: chr16-84176224-A-C. GRCh37 (hg19) VCF-style: chr16-84209830-A-C.
Other names: p.Thr664Pro; c.1282A>C, p.Thr428Pro (NM_001318756.1); short protein forms T664P, T428P.
Identifiers: ClinVar variation 455003 (VCV000455003.11), dbSNP rs199680570, ClinGen allele CA8203074.
Genomic context (GRCh38, chr16:84,176,224, plus strand): 5'-AGACCCCTGATCCAGGAGCTCAGCGACGAGGACCCCTCTGGCCAGCTACTGATGCCCCCC[A>C]CCTGCCAAAGAGATGCTGCACCACTCACTTCCAGTGGAGACAGGGACAGCGACTTCCTTG-3'
Protein context (NP_848547.4, residues 654-674): DPSGQLLMPP[Thr664Pro]CQRDAAPLTS